The following is an entry in ClinVar:

NM_001375524.1(TRRAP):c.7418T>C (p.Met2473Thr)

Gene: TRRAP (transformation/transcription domain associated protein; plus strand). Cytogenetic location: 7q22.1.
Variant type: single nucleotide variant.
Coding change: c.7418T>C on transcript NM_001375524.1 (MANE Select); coding-DNA position 7418, T replaced by C.
Protein change: p.Met2473Thr; replaces methionine 2473 with threonine.
Molecular consequence: missense variant.
Genome position (GRCh38, 1-based): chr7:98,967,604, T>C. VCF-style: chr7-98967604-T-C. GRCh37 (hg19) VCF-style: chr7-98565227-T-C.
Other names: c.7397T>C, p.Met2466Thr (NM_001244580.2); c.7343T>C, p.Met2448Thr (NM_003496.4); short protein forms M2448T, M2466T, M2473T.
Identifiers: ClinVar variation 4982395 (VCV004982395.1).
Genomic context (GRCh38, chr7:98,967,604, plus strand): 5'-GGCTGCGCTGTGCCCAGCCACTCATCAGGGCAAAGTTTTTCGAGGTTTTTGACAACTCCA[T>C]GAAACGTCGTGTCTACGAGCGCTTGCTCTATGTGACCTGTTCGCAGAACTGGGAAGCCAT-3'
Protein context (NP_001362453.1, residues 2463-2483): AKFFEVFDNS[Met2473Thr]KRRVYERLLY

ClinVar aggregate classification (germline): Uncertain significance (1 of 4 stars; one submission).

Conditions:
TRRAP-related disorder. Also called: TRRAP-related condition.

Submission:

PreventionGenetics, part of Exact Sciences
Classification: Uncertain significance for TRRAP-related condition. Last evaluated: 2025-12-18. Review status: criteria provided, single submitter. Criteria: ACMG Guidelines, 2015. Collection method: clinical testing. Allele origin: germline.
Comment: The TRRAP c.7343T>C variant is predicted to result in the amino acid substitution p.Met2448Thr. To our knowledge, this variant has not been reported in the literature or in a large population database (gnomAD), indicating this variant is rare. At this time, the clinical significance of this variant is uncertain due to the absence of conclusive functional and genetic evidence.